The following is an entry in ClinVar:

ClinVar aggregate classification (germline): Uncertain significance. Review status: criteria provided, multiple submitters, no conflicts (2 of 4 stars). 4 submissions from 4 submitters: Uncertain significance (4). Last evaluated 2025-04-10.

Conditions:
Immunodeficiency, common variable, 7. Identifiers: Orphanet 1572, Orphanet 696894, MedGen C3542922, MONDO:0013862, OMIM 614699.
Inborn genetic diseases. Identifiers: MedGen C0950123, MeSH D030342.
Systemic lupus erythematosus, susceptibility to, 9. Also called: Systemic lupus erythematosus 9. Identifiers: MedGen C1970455, MONDO:0012584, OMIM 610927.
Immunodeficiency, common variable, 2 (CVID2). Also called: HYPOGAMMAGLOBULINEMIA DUE TO TACI DEFICIENCY; ANTIBODY DEFICIENCY DUE TO TACI DEFECT. Identifiers: Orphanet 1572, MedGen C3150354, MONDO:0009413, OMIM 240500.

Allele frequency attached by ClinVar (database versions not stated): gnomAD 0.00002 and 0.00003; ExAC 0.00003; TOPMed 0.00004; gnomAD exomes 0.00005.

Submissions (4):

Ambry Genetics
Classification: Uncertain significance for Inborn genetic diseases. Last evaluated: 2025-04-10. Review status: criteria provided, single submitter. Criteria: Ambry Variant Classification Scheme 2023. Collection method: clinical testing. Allele origin: germline.

Labcorp Genetics (formerly Invitae), Labcorp
Classification: Uncertain significance for Immunodeficiency, common variable, 7. Last evaluated: 2024-11-05. Review status: criteria provided, single submitter. Criteria: Invitae Variant Classification Sherloc (09022015). Collection method: clinical testing. Allele origin: germline.
Comment: This sequence change replaces proline, which is neutral and non-polar, with leucine, which is neutral and non-polar, at codon 27 of the CR2 protein (p.Pro27Leu). This variant is present in population databases (rs150906379, gnomAD 0.009%). This variant has not been reported in the literature in individuals affected with CR2-related conditions. ClinVar contains an entry for this variant (Variation ID: 1043152). An algorithm developed to predict the effect of missense changes on protein structure and function (PolyPhen-2) suggests that this variant is likely to be disruptive. In summary, the available evidence is currently insufficient to determine the role of this variant in disease. Therefore, it has been classified as a Variant of Uncertain Significance.

Genome-Nilou Lab
Classification: Uncertain significance for Immunodeficiency, common variable, 7. Last evaluated: 2023-04-11. Review status: criteria provided, single submitter. Criteria: ACMG Guidelines, 2015. Collection method: clinical testing. Allele origin: germline. Affected: no.

Fulgent Genetics
Classification: Uncertain significance for Immunodeficiency, common variable, 2; Systemic lupus erythematosus, susceptibility to, 9; Immunodeficiency, common variable, 7. Last evaluated: 2021-10-12. Review status: criteria provided, single submitter. Criteria: ACMG Guidelines, 2015. Collection method: clinical testing. Allele origin: unknown.

NM_001006658.3(CR2):c.80C>T (p.Pro27Leu)

Gene: CR2 (complement C3d receptor 2; plus strand). Cytogenetic location: 1q32.2.
Variant type: single nucleotide variant.
Coding change: c.80C>T on transcript NM_001006658.3 (MANE Select); coding-DNA position 80, C replaced by T.
Protein change: p.Pro27Leu; replaces proline 27 with leucine.
Molecular consequence: missense variant.
Genome position (GRCh38, 1-based): chr1:207,466,547, C>T. VCF-style: chr1-207466547-C-T. GRCh37 (hg19) VCF-style: chr1-207639892-C-T.
Other names: c.80C>T (NM_001006658.2); c.80C>T, p.Pro27Leu (NM_001877.5); short protein forms P27L.
Identifiers: ClinVar variation 1043152 (VCV001043152.10), dbSNP rs150906379, ClinGen allele CA1368363.